The following is an entry in ClinVar:

NM_006612.6(KIF1C):c.1767G>A (p.Met589Ile)

Genes: KIF1C (kinesin family member 1C; plus strand), LOC126862473 (CDK7 strongly-dependent group 2 enhancer GRCh37_chr17:4923264-4924463; plus strand). Cytogenetic location: 17p13.2.
Variant type: single nucleotide variant.
Coding change: c.1767G>A on transcript NM_006612.6 (MANE Select); coding-DNA position 1767, G replaced by A.
Protein change: p.Met589Ile; replaces methionine 589 with isoleucine.
Molecular consequence: missense variant.
Genome position (GRCh38, 1-based): chr17:5,020,508, G>A. VCF-style: chr17-5020508-G-A. GRCh37 (hg19) VCF-style: chr17-4923803-G-A.
Other names: short protein forms M589I.
Identifiers: ClinVar variation 2071802 (VCV002071802.4), dbSNP rs2508204495, ClinGen allele CA397310008.

ClinVar aggregate classification (germline): Uncertain significance (1 of 4 stars; one submission).

Conditions:
Spastic ataxia 2. Also called: Ataxia, spastic, 2, autosomal recessive. Identifiers: Orphanet 397946, MedGen C1969796, MONDO:0012651, OMIM 611302.

Allele frequency attached by ClinVar (database versions not stated): gnomAD exomes below 0.00001.
gnomAD v4.1: 1 of 1,613,512 alleles (0.000062%); highest among the groups gnomAD compares: Non-Finnish European, 0.000085%; no homozygotes.

Submission:

Labcorp Genetics (formerly Invitae), Labcorp
Classification: Uncertain significance for Spastic ataxia 2. Last evaluated: 2024-10-08. Review status: criteria provided, single submitter. Criteria: Invitae Variant Classification Sherloc (09022015). Collection method: clinical testing. Allele origin: germline.
Comment: This sequence change replaces methionine, which is neutral and non-polar, with isoleucine, which is neutral and non-polar, at codon 589 of the KIF1C protein (p.Met589Ile). This variant is not present in population databases (gnomAD no frequency). This variant has not been reported in the literature in individuals affected with KIF1C-related conditions. ClinVar contains an entry for this variant (Variation ID: 2071802). Invitae Evidence Modeling of protein sequence and biophysical properties (such as structural, functional, and spatial information, amino acid conservation, physicochemical variation, residue mobility, and thermodynamic stability) indicates that this missense variant is not expected to disrupt KIF1C protein function with a negative predictive value of 80%. In summary, the available evidence is currently insufficient to determine the role of this variant in disease. Therefore, it has been classified as a Variant of Uncertain Significance.